The following is an entry in ClinVar:

NM_002691.4(POLD1):c.2792A>G (p.Lys931Arg)

Gene: POLD1 (DNA polymerase delta 1, catalytic subunit; plus strand). Cytogenetic location: 19q13.33.
Variant type: single nucleotide variant.
Coding change: c.2792A>G on transcript NM_002691.4 (MANE Select); coding-DNA position 2792, A replaced by G.
Protein change: p.Lys931Arg; replaces lysine 931 with arginine.
Molecular consequence: missense variant.
Genome position (GRCh38, 1-based): chr19:50,415,798, A>G. VCF-style: chr19-50415798-A-G. GRCh37 (hg19) VCF-style: chr19-50919055-A-G.
Other names: c.2792A>G, p.Lys931Arg (NM_001256849.1, LRG_785t1); c.2870A>G, p.Lys957Arg (NM_001308632.1, LRG_785t2); short protein forms K931R, K957R.
Identifiers: ClinVar variation 537092 (VCV000537092.12), dbSNP rs1555793174, ClinGen allele CA406986046.

ClinVar aggregate classification (germline): Uncertain significance. Review status: criteria provided, multiple submitters, no conflicts (2 of 4 stars). 2 submissions from 2 submitters: Uncertain significance (2). Last evaluated 2026-01-05.

Conditions:
Hereditary cancer-predisposing syndrome. Also called: Tumor predisposition; Neoplastic Syndromes, Hereditary; Hereditary Cancer Syndrome; Hereditary neoplastic syndrome. Identifiers: Orphanet 140162, MedGen C0027672, MeSH D009386, MONDO:0015356.
POLD1-related polyposis and colorectal cancer syndrome (CRCS10). Also called: Colorectal cancer 10; COLORECTAL CANCER, SUSCEPTIBILITY TO, ON CHROMOSOME 19q; Colorectal cancer, susceptibility to, 10. Identifiers: Orphanet 220460, MedGen C2675481, MONDO:0012953, OMIM 612591.

Submissions (2):

Labcorp Genetics (formerly Invitae), Labcorp
Classification: Uncertain significance for POLD1-related polyposis and colorectal cancer syndrome. Last evaluated: 2026-01-05. Review status: criteria provided, single submitter. Criteria: Invitae Variant Classification Sherloc (09022015). Collection method: clinical testing. Allele origin: germline.
Comment: This sequence change replaces lysine, which is basic and polar, with arginine, which is basic and polar, at codon 931 of the POLD1 protein (p.Lys931Arg). This variant is not present in population databases (gnomAD no frequency). This variant has not been reported in the literature in individuals affected with POLD1-related conditions. ClinVar contains an entry for this variant (Variation ID: 537092). Invitae Evidence Modeling of protein sequence and biophysical properties (such as structural, functional, and spatial information, amino acid conservation, physicochemical variation, residue mobility, and thermodynamic stability) indicates that this missense variant is not expected to disrupt POLD1 protein function with a negative predictive value of 80%. In summary, the available evidence is currently insufficient to determine the role of this variant in disease. Therefore, it has been classified as a Variant of Uncertain Significance.

Ambry Genetics
Classification: Uncertain significance for Hereditary cancer-predisposing syndrome. Last evaluated: 2021-12-20. Review status: criteria provided, single submitter. Criteria: Ambry Variant Classification Scheme 2023. Collection method: clinical testing. Allele origin: germline.
Comment: The p.K931R variant (also known as c.2792A>G), located in coding exon 21 of the POLD1 gene, results from an A to G substitution at nucleotide position 2792. The lysine at codon 931 is replaced by arginine, an amino acid with highly similar properties. This amino acid position is conserved. In addition, this alteration is predicted to be tolerated by in silico analysis. Since supporting evidence is limited at this time, the clinical significance of this alteration remains unclear.